The following is an entry in ClinVar:

NM_174916.3(UBR1):c.3055C>T (p.Arg1019Ter)

Gene: UBR1 (ubiquitin protein ligase E3 component n-recognin 1; minus strand). Cytogenetic location: 15q15.2.
Variant type: single nucleotide variant.
Coding change: c.3055C>T on transcript NM_174916.3 (MANE Select); coding-DNA position 3055, C replaced by T.
Protein change: p.Arg1019Ter; replaces arginine 1019 with a stop codon.
Molecular consequence: nonsense.
Genome position (GRCh38, 1-based): chr15:43,015,842, G>A on the plus strand (C>T on the coding strand, the complement: UBR1 is on the minus strand). VCF-style: chr15-43015842-G-A. GRCh37 (hg19) VCF-style: chr15-43308040-G-A.
Other names: short protein forms R1019*.
Identifiers: ClinVar variation 985549 (VCV000985549.6), dbSNP rs267604210, ClinGen allele CA269948616.

ClinVar aggregate classification (germline): Pathogenic/Likely pathogenic. Review status: criteria provided, multiple submitters, no conflicts (2 of 4 stars). 3 submissions from 3 submitters: Pathogenic (2); Likely pathogenic (1). Last evaluated 2026-03-01.

Conditions:
Johanson-Blizzard syndrome (JBS). Also called: Nasal alar hypoplasia, hypothyroidism, pancreatic achylia and congenital deafness. Identifiers: Orphanet 2315, MedGen C0175692, MONDO:0009479, OMIM 243800.
Inborn genetic diseases. Identifiers: MedGen C0950123, MeSH D030342.

Allele frequency attached by ClinVar (database versions not stated): TOPMed 0.00001; gnomAD 0.00001.
gnomAD v4.1: 2 of 1,613,744 alleles (0.00012%); highest among the groups gnomAD compares: African/African-American, 0.0013%; no homozygotes.

Submissions (3):

GeneDx
Classification: Likely pathogenic. Last evaluated: 2026-03-01. Review status: criteria provided, single submitter. Criteria: GeneDx Variant Classification Process June 2021. Collection method: clinical testing. Allele origin: germline.
Comment: Identified with a second variant in UBR1 in a patient with oblique facial clefts, coloboma, and intrauterine growth restriction (PMID: 26989884); Nonsense variant predicted to result in protein truncation or nonsense mediated decay in a gene for which loss of function is a known mechanism of disease; Not observed at significant frequency in large population cohorts (gnomAD); This variant is associated with the following publications: (PMID: 26989884)

Women's Health and Genetics/Laboratory Corporation of America, LabCorp
Classification: Pathogenic for Johanson-Blizzard syndrome. Last evaluated: 2024-09-17. Review status: criteria provided, single submitter. Criteria: LabCorp Variant Classification Summary - May 2015. Collection method: clinical testing. Allele origin: germline.
Comment: Variant summary: UBR1 c.3055C>T (p.Arg1019X) results in a premature termination codon, predicted to cause a truncation of the encoded protein or absence of the protein due to nonsense mediated decay, which are commonly known mechanisms for disease. The variant was absent in 251304 control chromosomes. c.3055C>T has been reported in the literature in at least one compound heterozygous individual affected with Johanson-Blizzard Syndrome (e.g., Corona-Rivera_2016). To our knowledge, no experimental evidence demonstrating an impact on protein function has been reported. The following publication has been ascertained in the context of this evaluation (PMID: 26989884). ClinVar contains an entry for this variant (Variation ID: 985549). Based on the evidence outlined above, the variant was classified as pathogenic.

Ambry Genetics
Classification: Pathogenic for Inborn genetic diseases. Last evaluated: 2020-01-16. Review status: criteria provided, single submitter. Criteria: Ambry Variant Classification Scheme 2023. Collection method: clinical testing. Allele origin: germline.
Comment: The alteration results in a premature stop codon: _x000D_ _x000D_ The c.3055C>T (p.R1019*) alteration, located in coding exon 29 of the UBR1 gene, results from a C to T substitution at nucleotide position 3055. This changes the amino acid from an arginine (R) to a stop codon at amino acid position 1019. This alteration is expected to result in loss of function by premature protein truncation or nonsense-mediated mRNA decay. Based on the available evidence, this alteration is classified as pathogenic.

Literature cited by the submitters: PubMed 26989884 (cited by Women's Health and Genetics/Laboratory Corporation of America, LabCorp and Ambry Genetics).